The following is an entry in ClinVar:

NM_178452.6(DNAAF1):c.2166G>A (p.Pro722=)

Gene: DNAAF1 (dynein axonemal assembly factor 1; plus strand). Cytogenetic location: 16q24.1.
Variant type: single nucleotide variant.
Coding change: c.2166G>A on transcript NM_178452.6 (MANE Select); coding-DNA position 2166, G replaced by A.
Protein change: p.Pro722=; no amino-acid change (proline 722 retained).
Molecular consequence: synonymous variant.
Genome position (GRCh38, 1-based): chr16:84,177,829, G>A. VCF-style: chr16-84177829-G-A. GRCh37 (hg19) VCF-style: chr16-84211435-G-A.
Other names: c.1458G>A, p.Pro486= (NM_001318756.1).
Identifiers: ClinVar variation 706360 (VCV000706360.31), dbSNP rs764624773, ClinGen allele CA8203191.

ClinVar aggregate classification (germline): Likely benign. Review status: criteria provided, multiple submitters, no conflicts (2 of 4 stars). 3 submissions from 3 submitters: Likely benign (3). Last evaluated 2026-08-01.

Conditions:
Primary ciliary dyskinesia. Also called: Ciliary dyskinesia. Identifiers: Orphanet 244, MedGen C0008780, MONDO:0016575, HP:0012265.

Allele frequency attached by ClinVar (database versions not stated): ExAC 0.00002; gnomAD exomes 0.00002; gnomAD 0.00009 and 0.00011; TOPMed 0.00010.
gnomAD v4.1: 35 of 1,613,480 alleles (0.0022%); highest among the groups gnomAD compares: African/African-American, 0.025%; no homozygotes.

Submissions (3):

CeGaT Center for Human Genetics Tuebingen
Classification: Likely benign. Last evaluated: 2026-08-01. Review status: criteria provided, single submitter. Criteria: CeGaT Center For Human Genetics Tuebingen Variant Classification Criteria Version 2. Collection method: clinical testing. Allele origin: germline. Affected: yes. Observed: 2 variant alleles.
Comment: DNAAF1: BP4, BP7

Labcorp Genetics (formerly Invitae), Labcorp
Classification: Likely benign for Primary ciliary dyskinesia. Last evaluated: 2025-08-18. Review status: criteria provided, single submitter. Criteria: Invitae Variant Classification Sherloc (09022015). Collection method: clinical testing. Allele origin: germline.

Ambry Genetics
Classification: Likely benign for Primary ciliary dyskinesia. Last evaluated: 2018-11-29. Review status: criteria provided, single submitter. Criteria: Ambry Variant Classification Scheme 2023. Collection method: clinical testing. Allele origin: germline.